The following is an entry in ClinVar:

NM_001035.3(RYR2):c.10765A>C (p.Lys3589Gln)

Gene: RYR2 (ryanodine receptor 2; plus strand). Cytogenetic location: 1q43.
Variant type: single nucleotide variant.
Coding change: c.10765A>C on transcript NM_001035.3 (MANE Select); coding-DNA position 10765, A replaced by C.
Protein change: p.Lys3589Gln; replaces lysine 3589 with glutamine.
Molecular consequence: missense variant.
Genome position (GRCh38, 1-based): chr1:237,727,126, A>C. VCF-style: chr1-237727126-A-C. GRCh37 (hg19) VCF-style: chr1-237890426-A-C.
Other names: short protein forms K3589Q.
Identifiers: ClinVar variation 2418691 (VCV002418691.6), dbSNP rs1224602069, ClinGen allele CA345416872.

ClinVar aggregate classification (germline): Uncertain significance (1 of 4 stars; one submission).

Conditions:
Catecholaminergic polymorphic ventricular tachycardia 1. Also called: VENTRICULAR TACHYCARDIA, CATECHOLAMINERGIC POLYMORPHIC, 1, WITH OR WITHOUT ATRIAL DYSFUNCTION AND/OR DILATED CARDIOMYOPATHY; VENTRICULAR TACHYCARDIA, STRESS-INDUCED POLYMORPHIC 1; RYR2-Related Catecholaminergic Polymorphic Ventricular Tachycardia. Identifiers: Orphanet 3286, MedGen C1631597, MONDO:0011484, OMIM 604772.

Submission:

Labcorp Genetics (formerly Invitae), Labcorp
Classification: Uncertain significance for Catecholaminergic polymorphic ventricular tachycardia 1. Last evaluated: 2024-10-13. Review status: criteria provided, single submitter. Criteria: Invitae Variant Classification Sherloc (09022015). Collection method: clinical testing. Allele origin: germline.
Comment: This sequence change replaces lysine, which is basic and polar, with glutamine, which is neutral and polar, at codon 3589 of the RYR2 protein (p.Lys3589Gln). This variant is not present in population databases (gnomAD no frequency). This variant has not been reported in the literature in individuals affected with RYR2-related conditions. ClinVar contains an entry for this variant (Variation ID: 2418691). Invitae Evidence Modeling of protein sequence and biophysical properties (such as structural, functional, and spatial information, amino acid conservation, physicochemical variation, residue mobility, and thermodynamic stability) indicates that this missense variant is expected to disrupt RYR2 protein function with a positive predictive value of 95%. In summary, the available evidence is currently insufficient to determine the role of this variant in disease. Therefore, it has been classified as a Variant of Uncertain Significance.